The following is an entry in ClinVar:

ClinVar aggregate classification (germline): Uncertain significance (1 of 4 stars; one submission).

Submission:

Women's Health and Genetics/Laboratory Corporation of America, LabCorp
Classification: Uncertain significance. Last evaluated: 2025-12-03. Review status: criteria provided, single submitter. Criteria: LabCorp Variant Classification Summary - May 2015. Collection method: clinical testing. Allele origin: germline.
Comment: Variant summary: SRPX2 c.641C>T (p.Ala214Val) results in a non-conservative amino acid change in the encoded protein sequence. Algorithms developed to predict the effect of missense changes on protein structure and function are either unavailable or do not agree on the potential impact of this missense change. The frequency data for this variant in gnomAD is considered unreliable, as metrics indicate poor data quality at this position. To our knowledge, no occurrence of c.641C>T in individuals affected with SRPX2-related conditions and no experimental evidence demonstrating its impact on protein function have been reported. The following publications have been ascertained in the context of this evaluation (PMID: 39632905, 26950094). No submitters have cited clinical-significance assessments for this variant to ClinVar. Based on the evidence outlined above, the variant was classified as uncertain significance.

Literature cited by the submitters: PubMed 26950094; PubMed 39632905.

NM_014467.3(SRPX2):c.641C>T (p.Ala214Val)

Gene: SRPX2 (sushi repeat containing protein X-linked 2; plus strand). Cytogenetic location: Xq22.1.
Variant type: single nucleotide variant.
Coding change: c.641C>T on transcript NM_014467.3 (MANE Select); coding-DNA position 641, C replaced by T.
Protein change: p.Ala214Val; replaces alanine 214 with valine.
Molecular consequence: missense variant.
Genome position (GRCh38, 1-based): chrX:100,665,351, C>T. VCF-style: chrX-100665351-C-T. GRCh37 (hg19) VCF-style: chrX-99920348-C-T.
Other names: short protein forms A214V.
Identifiers: ClinVar variation 4688609 (VCV004688609.1).
Genomic context (GRCh38, chrX:100,665,351, plus strand): 5'-CAGAGCCAGAGAAATTGACTGCTCGAGTATACTGGGACCCACCGTTGGTGAAAGATTCTG[C>T]TGATGGTACCATCACCAGGTGAGCCTGAATAATGGATGCCCCTTATGCCTTCCCTCGGCT-3'
Protein context (NP_055282.1, residues 204-224): YWDPPLVKDS[Ala214Val]DGTITRVTLR